The following is an entry in ClinVar:

NM_001303052.2(MYT1L):c.149G>A (p.Arg50Lys)

Gene: MYT1L (myelin transcription factor 1 like; minus strand). Cytogenetic location: 2p25.3.
Variant type: single nucleotide variant.
Coding change: c.149G>A on transcript NM_001303052.2 (MANE Select); coding-DNA position 149, G replaced by A.
Protein change: p.Arg50Lys; replaces arginine 50 with lysine.
Molecular consequence: missense variant.
Genome position (GRCh38, 1-based): chr2:1,979,168, C>T on the plus strand (G>A on the coding strand, the complement: MYT1L is on the minus strand). VCF-style: chr2-1979168-C-T. GRCh37 (hg19) VCF-style: chr2-1982940-C-T.
Other names: c.149G>A, p.Arg50Lys (NM_001329844.2, NM_001329845.1, NM_001329846.3 and 6 more transcripts); short protein forms R50K.
Identifiers: ClinVar variation 1189736 (VCV001189736.2), dbSNP rs2149488795, ClinGen allele CA345864825.

ClinVar aggregate classification (germline): Uncertain significance (1 of 4 stars; one submission).

Submission:

GeneDx
Classification: Uncertain significance. Last evaluated: 2019-09-25. Review status: criteria provided, single submitter. Criteria: GeneDx Variant Classification Process June 2021. Collection method: clinical testing. Allele origin: germline. Affected: yes.
Comment: Not observed in large population cohorts (Lek et al., 2016); In silico analysis, which includes protein predictors and evolutionary conservation, supports that this variant does not alter protein structure/function; Has not been previously published as pathogenic or benign to our knowledge